The following is an entry in ClinVar:

ClinVar aggregate classification (germline): Conflicting classifications of pathogenicity. Review status: criteria provided, conflicting classifications (1 of 4 stars). 4 submissions from 4 submitters: Uncertain significance (1); Likely benign (2). 1 of the submissions does not count toward it. Last evaluated 2025-09-07.

Conditions:
Meckel-Gruber syndrome. Also called: Dysencephalia splachnocystica; DYSENCEPHALIA SPLANCHNOCYSTICA; GRUBER SYNDROME. Identifiers: Orphanet 564, MedGen C0265215, MONDO:0018921.
Joubert syndrome. Also called: Familial aplasia of the vermis; JOUBERT-BOLTSHAUSER SYNDROME. Identifiers: Orphanet 475, MedGen C5979921, MONDO:0018772.
CC2D2A-related disorder. Also called: CC2D2A-related disorders; CC2D2A-related condition. Identifiers: MedGen CN239313.

Allele frequency attached by ClinVar (database versions not stated): gnomAD below 0.00001 and 0.00001; ExAC 0.00001; gnomAD exomes 0.00001 and 0.00002.
gnomAD v4.1: 10 of 1,612,636 alleles (0.00062%); highest among the groups gnomAD compares: South Asian, 0.0066%; no homozygotes.

Submissions (4):

Labcorp Genetics (formerly Invitae), Labcorp
Classification: Likely benign for Joubert syndrome; Meckel-Gruber syndrome. Last evaluated: 2025-09-07. Review status: criteria provided, single submitter. Criteria: Invitae Variant Classification Sherloc (09022015). Collection method: clinical testing. Allele origin: germline.

Blueprint Genetics
Classification: Likely benign. Last evaluated: 2024-08-07. Review status: criteria provided, single submitter. Criteria: ACMG Guidelines, 2015. Collection method: clinical testing. Allele origin: germline.

Eurofins Ntd Llc (ga)
Classification: Uncertain significance. Last evaluated: 2017-08-23. Review status: criteria provided, single submitter. Criteria: EGL Classification Definitions 2015. Collection method: clinical testing. Allele origin: germline. Observed: 1 variant allele, 1 heterozygote.

PreventionGenetics, part of Exact Sciences
Classification: Likely benign for CC2D2A-related condition. Last evaluated: 2024-01-22. Review status: no assertion criteria provided. Collection method: clinical testing. Allele origin: germline. Not counted in ClinVar's aggregate classification.
Comment: This variant is classified as likely benign based on ACMG/AMP sequence variant interpretation guidelines (Richards et al. 2015 PMID: 25741868, with internal and published modifications).

NM_001378615.1(CC2D2A):c.4728C>T (p.Asp1576=)

Genes: CC2D2A (coiled-coil and C2 domain containing 2A; plus strand), FBXL5 (F-box and leucine rich repeat protein 5; minus strand). Cytogenetic location: 4p15.32.
Variant type: single nucleotide variant.
Coding change: c.4728C>T on transcript NM_001378615.1 (MANE Select); coding-DNA position 4728, C replaced by T.
Protein change: p.Asp1576=; no amino-acid change (aspartic acid 1576 retained).
Molecular consequence: synonymous variant.
Genome position (GRCh38, 1-based): chr4:15,601,290, C>T. VCF-style: chr4-15601290-C-T. GRCh37 (hg19) VCF-style: chr4-15602913-C-T.
Other names: c.4728C>T, p.Asp1576= (NM_001080522.2); c.4581C>T, p.Asp1527= (NM_001378617.1).
Identifiers: ClinVar variation 593799 (VCV000593799.11), dbSNP rs774919996, ClinGen allele CA2864467.